The following is an entry in ClinVar:

NM_003105.6(SORL1):c.6029A>C (p.Asn2010Thr)

Gene: SORL1 (sortilin related receptor 1; plus strand). Cytogenetic location: 11q24.1.
Variant type: single nucleotide variant.
Coding change: c.6029A>C on transcript NM_003105.6 (MANE Select); coding-DNA position 6029, A replaced by C.
Protein change: p.Asn2010Thr; replaces asparagine 2010 with threonine.
Molecular consequence: missense variant.
Genome position (GRCh38, 1-based): chr11:121,621,203, A>C. VCF-style: chr11-121621203-A-C. GRCh37 (hg19) VCF-style: chr11-121491912-A-C.
Other names: short protein forms N2010T.
Identifiers: ClinVar variation 2972014 (VCV002972014.3), dbSNP rs766326995, ClinGen allele CA6330151.

ClinVar aggregate classification (germline): Uncertain significance (1 of 4 stars; one submission).

Allele frequency attached by ClinVar (database versions not stated): TOPMed below 0.00001; ExAC 0.00001; gnomAD 0.00001.
gnomAD v4.1: 2 of 1,614,070 alleles (0.00012%); highest among the groups gnomAD compares: Non-Finnish European, 0.00017%; no homozygotes.

Submission:

Labcorp Genetics (formerly Invitae), Labcorp
Classification: Uncertain significance. Last evaluated: 2023-08-02. Review status: criteria provided, single submitter. Criteria: Invitae Variant Classification Sherloc (09022015). Collection method: clinical testing. Allele origin: germline.
Comment: This sequence change replaces asparagine, which is neutral and polar, with threonine, which is neutral and polar, at codon 2010 of the SORL1 protein (p.Asn2010Thr). This variant is present in population databases (rs766326995, gnomAD 0.002%). This variant has not been reported in the literature in individuals affected with SORL1-related conditions. An algorithm developed to predict the effect of missense changes on protein structure and function (PolyPhen-2) suggests that this variant is likely to be disruptive. In summary, the available evidence is currently insufficient to determine the role of this variant in disease. Therefore, it has been classified as a Variant of Uncertain Significance.